The following is an entry in ClinVar:

NM_017780.4(CHD7):c.3523-19A>T

Gene: CHD7 (chromodomain helicase DNA binding protein 7; plus strand). Cytogenetic location: 8q12.2.
Variant type: single nucleotide variant.
Coding change: c.3523-19A>T on transcript NM_017780.4 (MANE Select); 19 bases into the intron before coding-DNA position 3523, A replaced by T.
Molecular consequence: intron variant.
Genome position (GRCh38, 1-based): chr8:60,830,303, A>T. VCF-style: chr8-60830303-A-T. GRCh37 (hg19) VCF-style: chr8-61742862-A-T.
Other names: p.(Gln1176_Glu2997delinsLeuPhe); c.1717-31926A>T (NM_001316690.1).
Identifiers: ClinVar variation 2627553 (VCV002627553.1), dbSNP rs2487852842, ClinGen allele CA2582341677.

ClinVar aggregate classification (germline): Likely pathogenic (1 of 4 stars; one submission).

Conditions:
CHARGE syndrome (CHARGE). Also called: Hittner Hirsch Kreh syndrome; CHARGE ASSOCIATION--COLOBOMA, HEART ANOMALY, CHOANAL ATRESIA, RETARDATION, GENITAL AND EAR ANOMALIES; Coloboma, heart anomaly, choanal atresia, retardation, genital and ear anomalies; CHARGE association; Hall-Hittner syndrome. Identifiers: Orphanet 138, MedGen C0265354, MONDO:0008965.

Submission:

Center of Genomic medicine, Geneva, University Hospital of Geneva
Classification: Likely pathogenic for CHD7-related CHARGE syndrome. Last evaluated: 2023-07-26. Review status: criteria provided, single submitter. Criteria: ACMG Guidelines, 2015. Collection method: clinical testing. Allele origin: de novo. Affected: yes. Observed: 1 variant allele.
Comment: This intronic splicing variant was identified in a fœtus with ventriculomegaly and complex cardiac malformation